The following is an entry in ClinVar:

NM_001212.4(C1QBP):c.129C>T (p.Phe43=)

Gene: C1QBP (complement C1q binding protein; minus strand). Cytogenetic location: 17p13.2.
Variant type: single nucleotide variant.
Coding change: c.129C>T on transcript NM_001212.4 (MANE Select); coding-DNA position 129, C replaced by T.
Protein change: p.Phe43=; no amino-acid change (phenylalanine 43 retained).
Molecular consequence: synonymous variant.
Genome position (GRCh38, 1-based): chr17:5,438,945, G>A on the plus strand (C>T on the coding strand, the complement: C1QBP is on the minus strand). VCF-style: chr17-5438945-G-A. GRCh37 (hg19) VCF-style: chr17-5342265-G-A.
Identifiers: ClinVar variation 712205 (VCV000712205.12), dbSNP rs148027788, ClinGen allele CA8325361.
Genomic context (GRCh38, chr17:5,438,945, plus strand): 5'-TCCGCGAGGCCGCAGGAGGCCCGGCCGCCGCTCGGAACCTGCGCGCACGCTGAGCAGCCC[G>A]AAGGGCCGGGTGCACAGCCGGGGTGCCGGCTGCAGGAGCTGCCGGAAAGGCGAGGCGGGC-3'
Protein context (NP_001203.1, residues 33-53): QPAPRLCTRP[Phe43=]GLLSVRAGSE

ClinVar aggregate classification (germline): Benign. Review status: criteria provided, single submitter (1 of 4 stars). 2 submissions from 2 submitters: Benign (1). 1 of the submissions does not count toward it. Last evaluated 2026-01-19.

Conditions:
C1QBP-related disorder. Also called: C1QBP-related condition.

Allele frequency attached by ClinVar (database versions not stated): ExAC 0.00099; gnomAD exomes 0.00110; 1000 Genomes Project 30x 0.00687; 1000 Genomes Project 0.00739; TOPMed 0.00822.
gnomAD v4.1: 2,113 of 1,523,274 alleles (0.14%); highest among the groups gnomAD compares: African/African-American, 2.7%; 30 homozygotes.

Submissions (2):

Labcorp Genetics (formerly Invitae), Labcorp
Classification: Benign. Last evaluated: 2026-01-19. Review status: criteria provided, single submitter. Criteria: Invitae Variant Classification Sherloc (09022015). Collection method: clinical testing. Allele origin: germline.

PreventionGenetics, part of Exact Sciences
Classification: Benign for C1QBP-related condition. Last evaluated: 2019-06-06. Review status: no assertion criteria provided. Collection method: clinical testing. Allele origin: germline. Not counted in ClinVar's aggregate classification.
Comment: This variant is classified as benign based on ACMG/AMP sequence variant interpretation guidelines (Richards et al. 2015 PMID: 25741868, with internal and published modifications).